The following is an entry in ClinVar:

ClinVar aggregate classification (germline): Pathogenic (1 of 4 stars; one submission).

Conditions:
Neurofibromatosis, type 1 (NF1). Also called: Neurofibromatosis, type I; VON RECKLINGHAUSEN DISEASE; NEUROFIBROMATOSIS, TYPE I, SOMATIC; Peripheral type neurofibromatosis. Identifiers: Orphanet 636, MedGen C0027831, MONDO:0018975, OMIM 162200. Disease mechanism: loss of function.

Submission:

Labcorp Genetics (formerly Invitae), Labcorp
Classification: Pathogenic for Neurofibromatosis, type 1. Last evaluated: 2023-02-21. Review status: criteria provided, single submitter. Criteria: Invitae Variant Classification Sherloc (09022015). Collection method: clinical testing. Allele origin: germline.
Comment: This sequence change creates a premature translational stop signal (p.Cys147*) in the NF1 gene. It is expected to result in an absent or disrupted protein product. Loss-of-function variants in NF1 are known to be pathogenic (PMID: 10712197, 23913538). This variant is not present in population databases (gnomAD no frequency). This premature translational stop signal has been observed in individual(s) with neurofibromatosis type 1 (PMID: 18484666, 26056819). For these reasons, this variant has been classified as Pathogenic.

Literature cited by the submitters: PubMed 10712197; PubMed 23913538; PubMed 18484666; PubMed 26056819.

NM_001042492.3(NF1):c.440_441insA (p.Cys147Ter)

Gene: NF1 (neurofibromin 1; plus strand). Cytogenetic location: 17q11.2.
Variant type: Insertion.
Coding change: c.440_441insA on transcript NM_001042492.3 (MANE Select); coding-DNA positions 440 to 441, A inserted.
Protein change: p.Cys147Ter; replaces cysteine 147 with a stop codon.
Molecular consequence: nonsense. On other transcripts: frameshift variant (1).
Genome position: GRCh38 VCF-style: chr17-31163337-G-GA. GRCh37 (hg19) VCF-style: chr17-29490355-G-GA.
Other names: c.440_441insA, p.Cys147Terfs (NM_000267.4); c.440_441insA, p.Cys147Ter (NM_001128147.3); short protein forms C147*.
Identifiers: ClinVar variation 2839413 (VCV002839413.3), dbSNP rs2544701461, ClinGen allele CA2739267318.